The following is an entry in ClinVar:

NM_000064.4(C3):c.4561C>G (p.Gln1521Glu)

Gene: C3 (complement C3; minus strand). Cytogenetic location: 19p13.3.
Variant type: single nucleotide variant.
Coding change: c.4561C>G on transcript NM_000064.4 (MANE Select); coding-DNA position 4561, C replaced by G.
Protein change: p.Gln1521Glu; replaces glutamine 1521 with glutamic acid.
Molecular consequence: missense variant.
Genome position (GRCh38, 1-based): chr19:6,679,194, G>C on the plus strand (C>G on the coding strand, the complement: C3 is on the minus strand). VCF-style: chr19-6679194-G-C. GRCh37 (hg19) VCF-style: chr19-6679205-G-C.
Other names: short protein forms Q1521E.
Identifiers: ClinVar variation 2904013 (VCV002904013.3), dbSNP rs758128289, ClinGen allele CA9128345.

ClinVar aggregate classification (germline): Uncertain significance (1 of 4 stars; one submission).

Allele frequency attached by ClinVar (database versions not stated): gnomAD 0.00001; gnomAD exomes 0.00002; ExAC 0.00006.
gnomAD v4.1: 34 of 1,613,996 alleles (0.0021%); highest among the groups gnomAD compares: South Asian, 0.037%; 1 homozygote.

Submission:

Labcorp Genetics (formerly Invitae), Labcorp
Classification: Uncertain significance. Last evaluated: 2024-01-31. Review status: criteria provided, single submitter. Criteria: Invitae Variant Classification Sherloc (09022015). Collection method: clinical testing. Allele origin: germline.
Comment: This sequence change replaces glutamine, which is neutral and polar, with glutamic acid, which is acidic and polar, at codon 1521 of the C3 protein (p.Gln1521Glu). This variant is present in population databases (rs758128289, gnomAD 0.04%), including at least one homozygous and/or hemizygous individual. This variant has not been reported in the literature in individuals affected with C3-related conditions. Advanced modeling of protein sequence and biophysical properties (such as structural, functional, and spatial information, amino acid conservation, physicochemical variation, residue mobility, and thermodynamic stability) performed at Invitae indicates that this missense variant is not expected to disrupt C3 protein function with a negative predictive value of 80%. In summary, the available evidence is currently insufficient to determine the role of this variant in disease. Therefore, it has been classified as a Variant of Uncertain Significance.